The following is an entry in ClinVar:

NM_001029883.3(PCARE):c.3604C>T (p.Arg1202Ter)

Gene: PCARE (photoreceptor cilium actin regulator; minus strand). Cytogenetic location: 2p23.2.
Variant type: single nucleotide variant.
Coding change: c.3604C>T on transcript NM_001029883.3 (MANE Select); coding-DNA position 3604, C replaced by T.
Protein change: p.Arg1202Ter; replaces arginine 1202 with a stop codon.
Molecular consequence: nonsense.
Genome position (GRCh38, 1-based): chr2:29,070,658, G>A on the plus strand (C>T on the coding strand, the complement: PCARE is on the minus strand). VCF-style: chr2-29070658-G-A. GRCh37 (hg19) VCF-style: chr2-29293524-G-A.
Other names: short protein forms R1202*.
Identifiers: ClinVar variation 839525 (VCV000839525.18), dbSNP rs748396645, ClinGen allele CA1591887.

ClinVar aggregate classification (germline): Pathogenic/Likely pathogenic. Review status: criteria provided, multiple submitters, no conflicts (2 of 4 stars). 6 submissions from 6 submitters: Pathogenic (4); Likely pathogenic (1). 1 of the submissions does not count toward it. Last evaluated 2026-07-08.

Conditions:
Retinitis pigmentosa 54 (RP54). Identifiers: Orphanet 791, MedGen C3150691, MONDO:0013263, OMIM 613428.
Retinitis pigmentosa with macular involvement.
PCARE-related disorder. Also called: PCARE-related condition.
C2ORF71 & PCARE-related disorders.

Allele frequency attached by ClinVar (database versions not stated): gnomAD 0.00001; gnomAD exomes 0.00001 and 0.00002; TOPMed 0.00001.
gnomAD v4.1: 33 of 1,613,962 alleles (0.002%); highest among the groups gnomAD compares: Admixed American, 0.0033%; no homozygotes.

Submissions (6):

PreventionGenetics, part of Exact Sciences
Classification: Pathogenic for PCARE-related condition. Last evaluated: 2026-07-08. Review status: criteria provided, single submitter. Criteria: ACMG Guidelines, 2015. Collection method: clinical testing. Allele origin: germline.
Comment: The PCARE c.3604C>T variant is predicted to result in premature protein termination (p.Arg1202*). This variant has been reported in multiple individuals with PCARE-related retinal disease (for examples see: Gerth-Kahlert et al. 2017. PubMed ID: 28763557; Fadaie et al. 2021. PubMed ID: 34795310; Supplementary table 1, Karali et al. 2022. PubMed ID: 36460718). This variant is reported in 0.0029% of alleles in individuals of Latino descent in gnomAD. Nonsense variants in PCARE are expected to be pathogenic. This variant is interpreted as pathogenic.

Labcorp Genetics (formerly Invitae), Labcorp
Classification: Pathogenic. Last evaluated: 2025-11-04. Review status: criteria provided, single submitter. Criteria: Invitae Variant Classification Sherloc (09022015). Collection method: clinical testing. Allele origin: germline.
Comment: This sequence change creates a premature translational stop signal (p.Arg1202*) in the PCARE gene. It is expected to result in an absent or disrupted protein product. Loss-of-function variants in PCARE are known to be pathogenic (PMID: 20398886, 24339724, 26496393). This variant is present in population databases (rs748396645, gnomAD 0.003%). This premature translational stop signal has been observed in individual(s) with PCARE-related retinal dystrophy (PMID: 28763557). ClinVar contains an entry for this variant (Variation ID: 839525). For these reasons, this variant has been classified as Pathogenic.

Lab De Baere, Eye and Developmental Genetics Lab, Ghent University
Classification: Likely pathogenic for Retinitis pigmentosa with macular involvement. Last evaluated: 2024-10-01. Review status: criteria provided, single submitter. Criteria: ACMG Guidelines, 2015. Collection method: research. Allele origin: inherited. Affected: yes. Observed: 1 variant allele.
Comment: ACMG/AMP guidelines: PM2, PP4_PP, PP5, PVS1_PS1, PM3_PP

Blueprint Genetics
Classification: Pathogenic for C2ORF71 & PCARE-related disorders. Last evaluated: 2023-05-30. Review status: criteria provided, single submitter. Criteria: ACMG Guidelines, 2015. Collection method: clinical testing. Allele origin: germline. Affected: yes. Observed: 5 variant alleles.

GeneDx
Classification: Pathogenic. Last evaluated: 2019-11-14. Review status: criteria provided, single submitter. Criteria: GeneDx Variant Classification Process June 2021. Collection method: clinical testing. Allele origin: germline. Affected: yes.
Comment: Nonsense variant predicted to result in protein truncation or nonsense mediated decay in a gene for which loss-of-function is a known mechanism of disease; Not observed at a significant frequency in large population cohorts (Lek et al., 2016); Identified in an individual with retinitis pigmentosa who had an additional C2orf71 variant in published literature; segregation data was not included (Gerth-Kahlert et al., 2017); This variant is associated with the following publications: (PMID: 28763557)

Genomics England Pilot Project, Genomics England
Classification: Likely pathogenic for Retinitis pigmentosa 54. Review status: no assertion criteria provided. Criteria: ACGS Guidelines, 2016. Collection method: clinical testing. Allele origin: germline. Affected: yes. Not counted in ClinVar's aggregate classification.

Literature cited by the submitters: PubMed 20398886 (cited by Labcorp Genetics (formerly Invitae), Labcorp); PubMed 24339724 (cited by Labcorp Genetics (formerly Invitae), Labcorp); PubMed 26496393 (cited by Labcorp Genetics (formerly Invitae), Labcorp); PubMed 28763557 (cited by Labcorp Genetics (formerly Invitae), Labcorp).